The following is an entry in ClinVar:

ClinVar aggregate classification (germline): Likely benign (1 of 4 stars; one submission).

gnomAD v4.1: 15 of 1,597,732 alleles (0.00094%); highest among the groups gnomAD compares: East Asian, 0.0089%; no homozygotes.

Submission:

CeGaT Center for Human Genetics Tuebingen
Classification: Likely benign. Last evaluated: 2023-09-01. Review status: criteria provided, single submitter. Criteria: CeGaT Center For Human Genetics Tuebingen Variant Classification Criteria Version 2. Collection method: clinical testing. Allele origin: germline. Affected: yes. Observed: 1 variant allele.
Comment: DARS1: PM2:Supporting, BP4, BP7

NM_001349.4(DARS1):c.1080C>T (p.Val360=)

Gene: DARS1 (aspartyl-tRNA synthetase 1; minus strand). Cytogenetic location: 2q21.3.
Variant type: single nucleotide variant.
Coding change: c.1080C>T on transcript NM_001349.4 (MANE Select); coding-DNA position 1080, C replaced by T.
Protein change: p.Val360=; no amino-acid change (valine 360 retained).
Molecular consequence: synonymous variant.
Genome position (GRCh38, 1-based): chr2:135,916,252, G>A on the plus strand (C>T on the coding strand, the complement: DARS1 is on the minus strand). VCF-style: chr2-135916252-G-A. GRCh37 (hg19) VCF-style: chr2-136673822-G-A.
Other names: c.780C>T, p.Val260= (NM_001293312.1).
Identifiers: ClinVar variation 2651382 (VCV002651382.24), dbSNP rs754076040, ClinGen allele CA429173992.